The following is an entry in ClinVar:

ClinVar aggregate classification (germline): Pathogenic (1 of 4 stars; one submission).

Conditions:
Epidermodysplasia verruciformis. Identifiers: Orphanet 302, MedGen C0014522, MONDO:0009176.

Submission:

Labcorp Genetics (formerly Invitae), Labcorp
Classification: Pathogenic for Epidermodysplasia verruciformis. Last evaluated: 2022-12-08. Review status: criteria provided, single submitter. Criteria: Invitae Variant Classification Sherloc (09022015). Collection method: clinical testing. Allele origin: germline.
Comment: This sequence change creates a premature translational stop signal (p.Ile106Phefs*17) in the TMC8 gene. It is expected to result in an absent or disrupted protein product. Loss-of-function variants in TMC8 are known to be pathogenic (PMID: 12426567, 22158547). This variant is not present in population databases (gnomAD no frequency). This variant has not been reported in the literature in individuals affected with TMC8-related conditions. For these reasons, this variant has been classified as Pathogenic.

Literature cited by the submitters: PubMed 12426567; PubMed 22158547.

NM_152468.5(TMC8):c.316del (p.Ile106fs)

Genes: TMC6 (transmembrane channel like 6; minus strand), TMC8 (transmembrane channel like 8; plus strand), LOC130061793 (ATAC-STARR-seq lymphoblastoid silent region 9044; plus strand). Cytogenetic location: 17q25.3.
Variant type: Deletion.
Coding change: c.316del on transcript NM_152468.5 (MANE Select); coding-DNA position 316, one base deleted (A; older notation c.316delA).
Protein change: p.Ile106fs; shifts the reading frame from isoleucine 106.
Molecular consequence: frameshift variant. On other transcripts: 5 prime UTR variant (1).
Genome position (GRCh38, 1-based): chr17:78,132,376, A deleted; the last of 2 consecutive A bases (chr17:78,132,375-78,132,376); deleting either gives the same sequence. VCF-style (leftmost placement, unchanged base first): chr17-78132374-GA-G. GRCh37 (hg19) VCF-style: chr17-76128455-GA-G.
Other names: c.-109del (NM_007267.7); short protein forms I106fs.
Identifiers: ClinVar variation 2783756 (VCV002783756.3), dbSNP rs2510755990, ClinGen allele CA2576405329.